The following is an entry in ClinVar:

NM_000136.3(FANCC):c.650C>T (p.Pro217Leu)

Genes: AOPEP (aminopeptidase O (putative); plus strand), FANCC (FA complementation group C; minus strand). Cytogenetic location: 9q22.32.
Variant type: single nucleotide variant.
Coding change: c.650C>T on transcript NM_000136.3 (MANE Select); coding-DNA position 650, C replaced by T.
Protein change: p.Pro217Leu; replaces proline 217 with leucine.
Molecular consequence: missense variant.
Genome position (GRCh38, 1-based): chr9:95,149,959, G>A on the plus strand (C>T on the coding strand, the complement: FANCC is on the minus strand). VCF-style: chr9-95149959-G-A. GRCh37 (hg19) VCF-style: chr9-97912241-G-A.
Other names: p.P217L:CCA>CTA; c.650C>T, p.Pro217Leu (NM_001243743.2, NM_001243744.2); short protein forms P217L.
Identifiers: ClinVar variation 182474 (VCV000182474.24), dbSNP rs730881714, ClinGen allele CA299151.

ClinVar aggregate classification (germline): Uncertain significance. Review status: criteria provided, multiple submitters, no conflicts (2 of 4 stars). 5 submissions from 5 submitters: Uncertain significance (3). 2 of the submissions do not count toward it. Last evaluated 2025-09-14.

Conditions:
Hereditary cancer-predisposing syndrome. Also called: Tumor predisposition; Hereditary Cancer Syndrome; Hereditary neoplastic syndrome; Neoplastic Syndromes, Hereditary. Identifiers: Orphanet 140162, MedGen C0027672, MeSH D009386, MONDO:0015356.
Fanconi anemia (FA). Also called: Fanconi's anemia. Identifiers: Orphanet 84, MedGen C0015625, MeSH D005199, MONDO:0019391.
Malignant tumor of breast. Also called: Malignant breast neoplasm; Cancer breast. Identifiers: MedGen C0006142, MONDO:0007254. Disease mechanism: loss of function.

Allele frequency attached by ClinVar (database versions not stated): gnomAD exomes below 0.00001; gnomAD 0.00001; TOPMed 0.00001.
gnomAD v4.1: 4 of 1,611,328 alleles (0.00025%); highest among the groups gnomAD compares: Non-Finnish European, 0.00025%; no homozygotes.

Submissions (5):

Ambry Genetics
Classification: Uncertain significance for Hereditary cancer-predisposing syndrome. Last evaluated: 2025-09-14. Review status: criteria provided, single submitter. Criteria: Ambry Variant Classification Scheme 2023. Collection method: clinical testing. Allele origin: germline.
Comment: The p.P217L variant (also known as c.650C>T), located in coding exon 6 of the FANCC gene, results from a C to T substitution at nucleotide position 650. The proline at codon 217 is replaced by leucine, an amino acid with similar properties. This amino acid position is not well conserved in available vertebrate species. In addition, this alteration is predicted to be tolerated by in silico analysis. Since supporting evidence is limited at this time, the clinical significance of this alteration remains unclear.

GeneDx
Classification: Uncertain significance. Last evaluated: 2023-06-12. Review status: criteria provided, single submitter. Criteria: GeneDx Variant Classification Process June 2021. Collection method: clinical testing. Allele origin: germline. Affected: yes.
Comment: Not observed at significant frequency in large population cohorts (gnomAD); In silico analysis supports that this missense variant has a deleterious effect on protein structure/function; Has not been previously published as pathogenic or benign to our knowledge; This variant is associated with the following publications: (PMID: Gordon2000[Book], 29338072)

Labcorp Genetics (formerly Invitae), Labcorp
Classification: Uncertain significance for Fanconi anemia. Last evaluated: 2023-04-15. Review status: criteria provided, single submitter. Criteria: Invitae Variant Classification Sherloc (09022015). Collection method: clinical testing. Allele origin: germline.
Comment: This sequence change replaces proline, which is neutral and non-polar, with leucine, which is neutral and non-polar, at codon 217 of the FANCC protein (p.Pro217Leu). This variant is not present in population databases (gnomAD no frequency). This variant has not been reported in the literature in individuals affected with FANCC-related conditions. ClinVar contains an entry for this variant (Variation ID: 182474). Advanced modeling of protein sequence and biophysical properties (such as structural, functional, and spatial information, amino acid conservation, physicochemical variation, residue mobility, and thermodynamic stability) has been performed at Invitae for this missense variant, however the output from this modeling did not meet the statistical confidence thresholds required to predict the impact of this variant on FANCC protein function. In summary, the available evidence is currently insufficient to determine the role of this variant in disease. Therefore, it has been classified as a Variant of Uncertain Significance.

Natera, Inc.
Classification: Uncertain significance for Fanconi anemia. Last evaluated: 2018-10-29. Review status: no assertion criteria provided. Collection method: clinical testing. Allele origin: germline. Not counted in ClinVar's aggregate classification.

Department of Pathology and Laboratory Medicine, Sinai Health System
Classification: Uncertain significance for Malignant tumor of breast. Review status: no assertion criteria provided. Collection method: clinical testing. Allele origin: unknown. Affected: yes. Study: The Canadian Open Genetics Repository (COGR). Not counted in ClinVar's aggregate classification.
Comment: The FANCC p.Pro217Leu variant was not identified in the literature nor was it identified in the LOVD 3.0 database. The variant was identified in dbSNP (ID: rs730881714), and in ClinVar (classified as uncertain significance by GeneDx). The variant was not identified in the following control databases: the Exome Aggregation Consortium (August 8th 2016), or the Genome Aggregation Database (Feb 27, 2017). The p.Pro217 residue is not conserved in mammals and computational analyses (PolyPhen-2, SIFT, AlignGVGD, BLOSUM, MutationTaster) do not suggest a high likelihood of impact to the protein; however, this information is not predictive enough to rule out pathogenicity. The variant occurs outside of the splicing consensus sequence and in silico or computational prediction software programs (SpliceSiteFinder, MaxEntScan, NNSPLICE, GeneSplicer) do not predict a difference in splicing. In summary, based on the above information the clinical significance of this variant cannot be determined with certainty at this time. This variant is classified as a variant of uncertain significance.